The following is an entry in ClinVar:

ClinVar aggregate classification (germline): Uncertain significance (1 of 4 stars; one submission).

Conditions:
Epidermolysis bullosa simplex with nail dystrophy (EBS5D). Identifiers: MedGen C4225309, MONDO:0014661, OMIM 616487.
Epidermolysis bullosa simplex, Ogna type (EBS5A). Also called: Pidermolysis bullosa simplex 5A, Ogna type; EPIDERMOLYSIS BULLOSA SIMPLEX 5A, OGNA TYPE. Identifiers: Orphanet 79401, MedGen C0432317, MONDO:0007555, OMIM 131950.
Autosomal recessive limb-girdle muscular dystrophy type 2Q (LGMDR17). Also called: MUSCULAR DYSTROPHY, LIMB-GIRDLE, AUTOSOMAL RECESSIVE 17. Identifiers: Orphanet 254361, MedGen C3150989, MONDO:0013390, OMIM 613723.
Epidermolysis bullosa simplex 5B, with muscular dystrophy (EBS5B). Also called: EPIDERMOLYSIS BULLOSA SIMPLEX AND LIMB-GIRDLE MUSCULAR DYSTROPHY; Epidermolysis bullosa simplex with muscular dystrophy. Identifiers: Orphanet 257, MedGen C2931072, MONDO:0009181, OMIM 226670.
Epidermolysis bullosa simplex 5C, with pyloric atresia (EBS5C). Also called: PLEC-Related Epidermolysis Bullosa with Pyloric Atresia; Epidermolysis bullosa simplex with pyloric atresia; PLEC1-Related Epidermolysis Bullosa with Pyloric Atresia. Identifiers: Orphanet 158684, MedGen C2677349, MONDO:0012807, OMIM 612138.

Submission:

Labcorp Genetics (formerly Invitae), Labcorp
Classification: Uncertain significance for Autosomal recessive limb-girdle muscular dystrophy type 2Q; Epidermolysis bullosa simplex, Ogna type; Epidermolysis bullosa simplex with nail dystrophy; Epidermolysis bullosa simplex 5C, with pyloric atresia; Epidermolysis bullosa simplex 5B, with muscular dystrophy. Last evaluated: 2023-04-26. Review status: criteria provided, single submitter. Criteria: Invitae Variant Classification Sherloc (09022015). Collection method: clinical testing. Allele origin: germline.
Comment: This sequence change replaces phenylalanine, which is neutral and non-polar, with leucine, which is neutral and non-polar, at codon 2862 of the PLEC protein (p.Phe2862Leu). This variant is not present in population databases (gnomAD no frequency). This variant has not been reported in the literature in individuals affected with PLEC-related conditions. Algorithms developed to predict the effect of missense changes on protein structure and function output the following: SIFT: "Not Available"; PolyPhen-2: "Benign"; Align-GVGD: "Not Available". The leucine amino acid residue is found in multiple mammalian species, which suggests that this missense change does not adversely affect protein function. In summary, the available evidence is currently insufficient to determine the role of this variant in disease. Therefore, it has been classified as a Variant of Uncertain Significance.

NM_201384.3(PLEC):c.8503T>C (p.Phe2835Leu)

Gene: PLEC (plectin; minus strand). Cytogenetic location: 8q24.3.
Variant type: single nucleotide variant.
Coding change: c.8503T>C on transcript NM_201384.3 (MANE Select); coding-DNA position 8503, T replaced by C.
Protein change: p.Phe2835Leu; replaces phenylalanine 2835 with leucine.
Molecular consequence: missense variant.
Genome position (GRCh38, 1-based): chr8:143,921,318, A>G on the plus strand (T>C on the coding strand, the complement: PLEC is on the minus strand). VCF-style: chr8-143921318-A-G. GRCh37 (hg19) VCF-style: chr8-144995486-A-G.
Other names: c.8584T>C, p.Phe2862Leu (NM_000445.5); c.5203T>C, p.Phe1735Leu (NM_001410941.1); c.8461T>C, p.Phe2821Leu (NM_201378.4); c.8437T>C, p.Phe2813Leu (NM_201379.3); c.8914T>C, p.Phe2972Leu (NM_201380.4); c.8407T>C, p.Phe2803Leu (NM_201381.3); c.8503T>C, p.Phe2835Leu (NM_201382.4); c.8515T>C, p.Phe2839Leu (NM_201383.3); short protein forms F2813L, F2839L, F1735L, F2803L, F2835L, F2862L, F2821L, F2972L.
Identifiers: ClinVar variation 2944702 (VCV002944702.3), dbSNP rs2537459485, ClinGen allele CA372515917.
Genomic context (GRCh38, chr8:143,921,318, plus strand): 5'-CAAAGAAGCCCTTGGTGTCGTCGCTGGGGTCCGCCAGGACGCGGTTCATCTCCTCGTCGA[A>G]GTAGCCGCGCCGGTAGGCCACGTCCACGGGCACGCGGTGGCTGTGCACGGGGTCGATAAC-3'
Protein context (NP_958786.1, residues 2825-2845): PVDVAYRRGY[Phe2835Leu]DEEMNRVLAD